The following is an entry in ClinVar:

ClinVar aggregate classification (germline): Likely pathogenic (1 of 4 stars; one submission).

Conditions:
Tubulinopathy. Also called: Tubulinopathies. Identifiers: MedGen CN850169, MONDO:0100153.

Submission:

Institute of Human Genetics, FAU Erlangen, Friedrich-Alexander-Universität Erlangen-Nürnberg
Classification: Likely pathogenic for Tubulinopathies. Last evaluated: 2018-07-01. Review status: criteria provided, single submitter. Criteria: ACMG Guidelines, 2015. Collection method: literature only. Allele origin: de novo. Affected: yes. Observed: 1 variant allele.
Comment: The c.655A>G, p.(Ile219Val) variant has been reported as a variant of de novo origin. This variant and associated phenotype was previously reported by Oegema et al. Hum Mol Genet, 2015 PMID: 26130693. Other (NA); Cerebellar vermis hypoplasia (HP:0001320); no Abnormal morphology of the hippocampus (HP:0025100); Dilation of lateral ventricles (HP:0006956); no Microcephaly (-HP:0000252); Spasticity (HP:0001257); Generalized tonic-clonic seizures, Infantile spasms (HP:0002069, HP:0012469)

Literature cited by the submitters: PubMed 30744660; DOI 10.1101/427948.

NM_006009.4(TUBA1A):c.655A>G (p.Ile219Val)

Gene: TUBA1A (tubulin alpha 1a; minus strand). Cytogenetic location: 12q13.12.
Variant type: single nucleotide variant.
Coding change: c.655A>G on transcript NM_006009.4 (MANE Select); coding-DNA position 655, A replaced by G.
Protein change: p.Ile219Val; replaces isoleucine 219 with valine.
Molecular consequence: missense variant.
Genome position (GRCh38, 1-based): chr12:49,185,711, T>C on the plus strand (A>G on the coding strand, the complement: TUBA1A is on the minus strand). VCF-style: chr12-49185711-T-C. GRCh37 (hg19) VCF-style: chr12-49579494-T-C.
Other names: c.655A>G, p.Ile219Val (NM_001270399.2); c.550A>G, p.Ile184Val (NM_001270400.2); short protein forms I219V, I184V.
Identifiers: ClinVar variation 625480 (VCV000625480.2), dbSNP rs1565627220, ClinGen allele CA384641016.
Genomic context (GRCh38, chr12:49,185,711, plus strand): 5'-TGATGGAGGACACAATTTGACCTATTAACCTATTCAGGTTAGTATAGGTTGGACGCTCAA[T>C]ATCGAGGTTTCTACGACAGATGTCATAGATGGCCTCATTGTCTACCATGAAGGCACAATC-3'
Protein context (NP_006000.2, residues 209-229): IYDICRRNLD[Ile219Val]ERPTYTNLNR